The following is an entry in ClinVar:

ClinVar aggregate classification (germline): Benign. Review status: criteria provided, multiple submitters, no conflicts (2 of 4 stars). 2 submissions from 2 submitters: Benign (2). Last evaluated 2018-01-13.

Conditions:
Hereditary coproporphyria (HCP). Also called: Hereditary coproporphyria porphyria; Porphyria hepatica coproporphyria; Porphyria hepatica II; CPRO deficiency; COPROPORPHYRINOGEN OXIDASE DEFICIENCY; CPO DEFICIENCY. Identifiers: Orphanet 79273, MedGen C0162531, MONDO:0007369, OMIM 121300.

Allele frequency attached by ClinVar (database versions not stated): gnomAD exomes 0.01265; gnomAD 0.02291 and 0.02333; TOPMed 0.02601; 1000 Genomes Project 30x 0.02920; 1000 Genomes Project 0.02995.

Submissions (2):

Illumina Laboratory Services, Illumina
Classification: Benign for Hereditary coproporphyria. Last evaluated: 2018-01-13. Review status: criteria provided, single submitter. Criteria: ICSL Variant Classification Criteria 13 December 2019. Collection method: clinical testing. Allele origin: germline.
Comment: This variant was observed in the ICSL laboratory as part of a predisposition screen in an ostensibly healthy population. It had not been previously curated by ICSL or reported in the Human Gene Mutation Database (HGMD: prior to June 1st, 2018), and was therefore a candidate for classification through an automated scoring system. Utilizing variant allele frequency, disease prevalence and penetrance estimates, and inheritance mode, an automated score was calculated to assess if this variant is too frequent to cause the disease. Based on the score and internal cut-off values, a variant classified as benign is not then subjected to further curation. The score for this variant resulted in a classification of benign for this disease.

Breakthrough Genomics
Classification: Benign. Review status: criteria provided, single submitter. Criteria: ACMG Guidelines, 2015. Collection method: not provided. Allele origin: germline. Inheritance: Autosomal recessive inheritance. Affected: yes.

NM_000097.7(CPOX):c.*329G>C

Gene: CPOX (coproporphyrinogen oxidase; minus strand). Cytogenetic location: 3q11.2.
Variant type: single nucleotide variant.
Coding change: c.*329G>C on transcript NM_000097.7 (MANE Select); 329 bases downstream of the stop codon, G replaced by C.
Molecular consequence: 3 prime UTR variant.
Genome position (GRCh38, 1-based): chr3:98,580,354, C>G on the plus strand (G>C on the coding strand, the complement: CPOX is on the minus strand). VCF-style: chr3-98580354-C-G. GRCh37 (hg19) VCF-style: chr3-98299198-C-G.
Other names: c.*329G>C (LRG_1077t1).
Identifiers: ClinVar variation 346964 (VCV000346964.6), dbSNP rs72924727, ClinGen allele CA10617614.
Genomic context (GRCh38, chr3:98,580,354, plus strand): 5'-TATTCCACGACAGATTTTTGTGGCACAAATGAAAACTTTAAAAAATACATGAAACAAAAA[C>G]AAGATGAGAGATTTCCTGATACATATAATACTATTTATATTCCCTTATCTCAATACTTGG-3'